The following is an entry in ClinVar:

ClinVar aggregate classification (germline): Likely benign (1 of 4 stars; one submission).

gnomAD v4.1: 34 of 1,535,588 alleles (0.0022%); highest among the groups gnomAD compares: East Asian, 0.0048%; no homozygotes.

Submission:

CeGaT Center for Human Genetics Tuebingen
Classification: Likely benign. Last evaluated: 2026-10-01. Review status: criteria provided, single submitter. Criteria: CeGaT Center For Human Genetics Tuebingen Variant Classification Criteria Version 2. Collection method: clinical testing. Allele origin: germline. Affected: yes. Observed: 1 variant allele.
Comment: ADGRL1: BP4, BP7

NM_014921.5(ADGRL1):c.1404C>T (p.His468=)

Genes: ADGRL1 (adhesion G protein-coupled receptor L1; minus strand), ADGRL1-AS1 (ADGRL1 antisense RNA 1; plus strand). Cytogenetic location: 19p13.12.
Variant type: single nucleotide variant.
Coding change: c.1404C>T on transcript NM_014921.5 (MANE Select); coding-DNA position 1404, C replaced by T.
Protein change: p.His468=; no amino-acid change (histidine 468 retained).
Molecular consequence: synonymous variant.
Genome position (GRCh38, 1-based): chr19:14,161,418, G>A on the plus strand (C>T on the coding strand, the complement: ADGRL1 is on the minus strand). VCF-style: chr19-14161418-G-A. GRCh37 (hg19) VCF-style: chr19-14272230-G-A.
Other names: c.1419C>T, p.His473= (NM_001008701.3).
Identifiers: ClinVar variation 5040886 (VCV005040886.1).
Genomic context (GRCh38, chr19:14,161,418, plus strand): 5'-GGTGGCCGGCCACTGGACCCGCCGTACCTCTCGGGGCTCGCAGAAGAGCTCAGGGGACAC[G>A]TGTAGATTCGGGGCTGGGGGCCGCCGGGTGCTGGGGACTGGGGCTGTGGCTGGAGGCAGA-3'
Protein context (NP_055736.2, residues 458-478): STRRPPAPNL[His468=]VSPELFCEPR